The following is an entry in ClinVar:

ClinVar aggregate classification (germline): Conflicting classifications of pathogenicity. Review status: criteria provided, conflicting classifications (1 of 4 stars). 3 submissions from 3 submitters: Uncertain significance (2); Likely benign (1). Last evaluated 2025-08-25.

Conditions:
Inborn genetic diseases. Identifiers: MedGen C0950123, MeSH D030342.

Allele frequency attached by ClinVar (database versions not stated): TOPMed 0.00005; ESP Exome Variant Server 0.00015; 1000 Genomes Project 0.00140.

Submissions (3):

Ambry Genetics
Classification: Likely benign for Inborn genetic diseases. Last evaluated: 2025-08-25. Review status: criteria provided, single submitter. Criteria: Ambry Variant Classification Scheme 2023. Collection method: clinical testing. Allele origin: germline.

Labcorp Genetics (formerly Invitae), Labcorp
Classification: Uncertain significance. Last evaluated: 2022-10-04. Review status: criteria provided, single submitter. Criteria: Invitae Variant Classification Sherloc (09022015). Collection method: clinical testing. Allele origin: germline.
Comment: This sequence change replaces aspartic acid, which is acidic and polar, with glutamic acid, which is acidic and polar, at codon 124 of the TULP1 protein (p.Asp124Glu). The frequency data for this variant in the population databases is considered unreliable, as metrics indicate poor data quality at this position in the gnomAD database. This variant has not been reported in the literature in individuals affected with TULP1-related conditions. ClinVar contains an entry for this variant (Variation ID: 971135). Advanced modeling of protein sequence and biophysical properties (such as structural, functional, and spatial information, amino acid conservation, physicochemical variation, residue mobility, and thermodynamic stability) performed at Invitae indicates that this missense variant is not expected to disrupt TULP1 protein function. In summary, the available evidence is currently insufficient to determine the role of this variant in disease. Therefore, it has been classified as a Variant of Uncertain Significance.

Blueprint Genetics
Classification: Uncertain significance. Last evaluated: 2021-10-21. Review status: criteria provided, single submitter. Criteria: ACMG Guidelines, 2015. Collection method: clinical testing. Allele origin: germline.

NM_003322.6(TULP1):c.372C>A (p.Asp124Glu)

Gene: TULP1 (TUB like protein 1; minus strand). Cytogenetic location: 6p21.31.
Variant type: single nucleotide variant.
Coding change: c.372C>A on transcript NM_003322.6 (MANE Select); coding-DNA position 372, C replaced by A.
Protein change: p.Asp124Glu; replaces aspartic acid 124 with glutamic acid.
Molecular consequence: missense variant.
Genome position (GRCh38, 1-based): chr6:35,510,988, G>T on the plus strand (C>A on the coding strand, the complement: TULP1 is on the minus strand). VCF-style: chr6-35510988-G-T. GRCh37 (hg19) VCF-style: chr6-35478765-G-T.
Other names: c.372C>A (NM_003322.3); c.213C>A, p.Asp71Glu (NM_001289395.2); short protein forms D124E, D71E.
Identifiers: ClinVar variation 971135 (VCV000971135.7), dbSNP rs147950414, ClinGen allele CA3772939.